The following is an entry in ClinVar:

ClinVar aggregate classification (germline): Benign. Review status: criteria provided, multiple submitters, no conflicts (2 of 4 stars). 12 submissions from 12 submitters: Benign (10). 2 of the submissions do not count toward it. Last evaluated 2026-02-04.

Conditions:
Focal segmental glomerulosclerosis 1 (FSGS1). Identifiers: Orphanet 656, MedGen C4551527, MONDO:0011303, OMIM 603278.

Allele frequency attached by ClinVar (database versions not stated): 1000 Genomes Project 30x 0.33463; 1000 Genomes Project 0.33926; TOPMed 0.37247; gnomAD 0.39123 and 0.39136; ESP Exome Variant Server 0.39236; ExAC 0.41049; gnomAD exomes 0.41061 and 0.45891.
gnomAD v4.1: 728,921 of 1,613,490 alleles (45%); highest among the groups gnomAD compares: East Asian, 51%; 169,091 homozygotes.

Submissions (12):

Labcorp Genetics (formerly Invitae), Labcorp
Classification: Benign. Last evaluated: 2026-02-04. Review status: criteria provided, single submitter. Criteria: Invitae Variant Classification Sherloc (09022015). Collection method: clinical testing. Allele origin: germline.

Blueprint Genetics
Classification: Benign. Last evaluated: 2024-11-28. Review status: criteria provided, single submitter. Criteria: ACMG Guidelines, 2015. Collection method: clinical testing. Allele origin: germline.

Unidad de Genómica Garrahan, Hospital de Pediatría Garrahan
Classification: Benign. Last evaluated: 2024-07-15. Review status: criteria provided, single submitter. Criteria: ACMG Guidelines, 2015. Collection method: clinical testing. Allele origin: germline. Affected: no. Observed: 43 variant alleles.
Comment: This variant is classified as Benign based on local population frequency. This variant was detected in 46% of patients studied in a panel designed for Epileptic and Developmental Encephalopathy and Progressive Myoclonus Epilepsy. Number of patients: 43. Only high quality variants are reported.

Mayo Clinic Laboratories, Mayo Clinic
Classification: Benign. Last evaluated: 2022-03-09. Review status: criteria provided, single submitter. Criteria: ACMG Guidelines, 2015. Collection method: clinical testing. Allele origin: germline. Observed: 94 variant alleles.

Genome-Nilou Lab
Classification: Benign for Focal segmental glomerulosclerosis 1. Last evaluated: 2021-07-14. Review status: criteria provided, single submitter. Criteria: ACMG Guidelines, 2015. Collection method: clinical testing. Allele origin: germline. Affected: no.

GeneDx
Classification: Benign. Last evaluated: 2018-07-05. Review status: criteria provided, single submitter. Criteria: GeneDx Variant Classification Process June 2021. Collection method: clinical testing. Allele origin: germline. Affected: yes.

Athena Diagnostics
Classification: Benign for Focal segmental glomerulosclerosis 1. Last evaluated: 2017-04-12. Review status: criteria provided, single submitter. Criteria: Athena Diagnostics Criteria. Collection method: clinical testing. Allele origin: germline.

Genome Diagnostics Laboratory, University Medical Center Utrecht
Classification: Benign for Focal segmental glomerulosclerosis 1. Last evaluated: 2014-10-10. Review status: criteria provided, single submitter. Criteria: ACGS Guidelines, 2013. Collection method: clinical testing. Allele origin: germline. Affected: yes. Study: VKGL Data-share Consensus.

Breakthrough Genomics
Classification: Benign. Review status: criteria provided, single submitter. Criteria: ACMG Guidelines, 2015. Collection method: not provided. Allele origin: germline. Inheritance: Autosomal dominant inheritance. Affected: yes.

PreventionGenetics, part of Exact Sciences
Classification: Benign. Review status: criteria provided, single submitter. Criteria: ACMG Guidelines, 2015. Collection method: clinical testing. Allele origin: germline.

Diagnostic Laboratory, Department of Genetics, University Medical Center Groningen
Classification: Benign for Focal segmental glomerulosclerosis 1. Review status: no assertion criteria provided. Collection method: clinical testing. Allele origin: germline. Affected: yes. Study: VKGL Data-share Consensus. Not counted in ClinVar's aggregate classification.

Joint Genome Diagnostic Labs from Nijmegen and Maastricht, Radboudumc and MUMC+
Classification: Benign. Review status: no assertion criteria provided. Collection method: clinical testing. Allele origin: germline. Affected: yes. Study: VKGL Data-share Consensus. Not counted in ClinVar's aggregate classification.

NM_004924.6(ACTN4):c.546C>T (p.Asn182=)

Gene: ACTN4 (actinin alpha 4; plus strand). Cytogenetic location: 19q13.2.
Variant type: single nucleotide variant.
Coding change: c.546C>T on transcript NM_004924.6 (MANE Select); coding-DNA position 546, C replaced by T.
Protein change: p.Asn182=; no amino-acid change (asparagine 182 retained).
Molecular consequence: synonymous variant.
Genome position (GRCh38, 1-based): chr19:38,706,105, C>T. VCF-style: chr19-38706105-C-T. GRCh37 (hg19) VCF-style: chr19-39196745-C-T.
Other names: p.Asn182=; c.546C>T, p.Asn182= (NM_001322033.2).
Identifiers: ClinVar variation 259582 (VCV000259582.22), dbSNP rs3745859, ClinGen allele CA9417304.
Genomic context (GRCh38, chr19:38,706,105, plus strand): 5'-GACCTCGGCCAAGGAAGGGCTCCTTCTCTGGTGCCAGAGAAAGACAGCCCCGTATAAGAA[C>T]GTCAATGTGCAGAACTTCCACATCAGGTAAGCGCCAGTCCTGGTCATCCTCTCCTTTCCT-3'
Protein context (NP_004915.2, residues 172-192): WCQRKTAPYK[Asn182=]VNVQNFHISW